The following is an entry in ClinVar:

NM_003489.4(NRIP1):c.677G>C (p.Gly226Ala)

Gene: NRIP1 (nuclear receptor interacting protein 1; minus strand). Cytogenetic location: 21q11.2.
Variant type: single nucleotide variant.
Coding change: c.677G>C on transcript NM_003489.4 (MANE Select); coding-DNA position 677, G replaced by C.
Protein change: p.Gly226Ala; replaces glycine 226 with alanine.
Molecular consequence: missense variant.
Genome position (GRCh38, 1-based): chr21:14,967,516, C>G on the plus strand (G>C on the coding strand, the complement: NRIP1 is on the minus strand). VCF-style: chr21-14967516-C-G. GRCh37 (hg19) VCF-style: chr21-16339837-C-G.
Other names: short protein forms G226A.
Identifiers: ClinVar variation 3660016 (VCV003660016.2).

ClinVar aggregate classification (germline): Uncertain significance (1 of 4 stars; one submission).

Submission:

Labcorp Genetics (formerly Invitae), Labcorp
Classification: Uncertain significance. Last evaluated: 2024-07-29. Review status: criteria provided, single submitter. Criteria: Invitae Variant Classification Sherloc (09022015). Collection method: clinical testing. Allele origin: germline.
Comment: This sequence change replaces glycine, which is neutral and non-polar, with alanine, which is neutral and non-polar, at codon 226 of the NRIP1 protein (p.Gly226Ala). This variant is not present in population databases (gnomAD no frequency). This variant has not been reported in the literature in individuals affected with NRIP1-related conditions. An algorithm developed to predict the effect of missense changes on protein structure and function outputs the following: PolyPhen-2: "Benign". The alanine amino acid residue is found in multiple mammalian species, which suggests that this missense change does not adversely affect protein function. In summary, the available evidence is currently insufficient to determine the role of this variant in disease. Therefore, it has been classified as a Variant of Uncertain Significance.